The following is an entry in ClinVar:

NM_175914.5(HNF4A):c.527T>C (p.Leu176Pro)

Gene: HNF4A (hepatocyte nuclear factor 4 alpha; plus strand). Cytogenetic location: 20q13.12.
Variant type: single nucleotide variant.
Coding change: c.527T>C on transcript NM_175914.5 (MANE Select); coding-DNA position 527, T replaced by C.
Protein change: p.Leu176Pro; replaces leucine 176 with proline.
Molecular consequence: missense variant.
Genome position (GRCh38, 1-based): chr20:44,414,607, T>C. VCF-style: chr20-44414607-T-C. GRCh37 (hg19) VCF-style: chr20-43043247-T-C.
Other names: c.593T>C, p.Leu198Pro (NM_000457.6, NM_178849.3, NM_178850.3); c.527T>C, p.Leu176Pro (NM_001030003.3, NM_001030004.3); c.572T>C, p.Leu191Pro (NM_001258355.2); c.518T>C, p.Leu173Pro (NM_001287182.2, NM_001287183.2, NM_001287184.2); short protein forms L173P, L176P, L191P, L198P.
Identifiers: ClinVar variation 2443143 (VCV002443143.2), dbSNP rs2515680021, ClinGen allele CA409106081.

ClinVar aggregate classification (germline): Uncertain significance (0 of 4 stars; one submission).

Submission:

Genetic Services Laboratory, University of Chicago
Classification: Uncertain significance. Last evaluated: 2022-11-28. Review status: no assertion criteria provided. Collection method: clinical testing. Allele origin: germline. Affected: no.
Comment: DNA sequence analysis of the HNF4A gene demonstrated a sequence change, c.527T>C, in exon 5 that results in an amino acid change, p.Leu176Pro. This sequence change does not appear to have been previously described in individuals with HNF4A-related disorders and has also not been described in population databases such as ExAC and gnomAD. The p.Leu176Pro change affects a highly conserved amino acid residue located in a domain of the HNF4A protein that is known to be functional. In-silico pathogenicity prediction tools (SIFT, PolyPhen2, Align GVGD, REVEL) provide contradictory results for the p.Leu176Pro substitution. Due to insufficient evidences and the lack of functional studies, the clinical significance of the p.Leu176Pro change remains unknown at this time.